The following is an entry in ClinVar:

ClinVar aggregate classification (germline): Conflicting classifications of pathogenicity. Review status: criteria provided, conflicting classifications (1 of 4 stars). 3 submissions from 3 submitters: Likely pathogenic (1); Uncertain significance (2). Last evaluated 2023-12-21.

Conditions:
Intellectual disability, autosomal dominant 9 (NESCAVS). Also called: NESCAV SYNDROME; KIF1A-Related Neurodevelopmental Disorder. Identifiers: Orphanet 662367, MedGen C5393830, MONDO:0013656, OMIM 614255.

Allele frequency attached by ClinVar (database versions not stated): gnomAD exomes below 0.00001; TOPMed below 0.00001.

Submissions (3):

GeneDx
Classification: Uncertain significance. Last evaluated: 2023-12-21. Review status: criteria provided, single submitter. Criteria: GeneDx Variant Classification Process June 2021. Collection method: clinical testing. Allele origin: germline. Affected: yes.
Comment: Not observed at significant frequency in large population cohorts (gnomAD); In silico analysis supports that this missense variant has a deleterious effect on protein structure/function; Has not been previously published as pathogenic or benign to our knowledge

Athena Diagnostics
Classification: Uncertain significance. Last evaluated: 2020-05-22. Review status: criteria provided, single submitter. Criteria: Athena Diagnostics Criteria. Collection method: clinical testing. Allele origin: unknown.

Genetic Services Laboratory, University of Chicago
Classification: Likely pathogenic for Mental retardation, autosomal dominant 9. Last evaluated: 2016-11-21. Review status: criteria provided, single submitter. Criteria: ACMG Guidelines, 2015. Collection method: clinical testing. Allele origin: germline. Affected: yes.

NM_001244008.2(KIF1A):c.1898G>A (p.Arg633His)

Gene: KIF1A (kinesin family member 1A; minus strand). Cytogenetic location: 2q37.3.
Variant type: single nucleotide variant.
Coding change: c.1898G>A on transcript NM_001244008.2 (MANE Select); coding-DNA position 1898, G replaced by A.
Protein change: p.Arg633His; replaces arginine 633 with histidine.
Molecular consequence: missense variant.
Genome position (GRCh38, 1-based): chr2:240,763,217, C>T on the plus strand (G>A on the coding strand, the complement: KIF1A is on the minus strand). VCF-style: chr2-240763217-C-T. GRCh37 (hg19) VCF-style: chr2-241702634-C-T.
Other names: c.1898G>A, p.Arg633His (NM_001320705.2, NM_001330289.2, NM_001379638.1); c.1973G>A, p.Arg658His (NM_001330290.2, NM_001379631.1, NM_001379634.1 and 2 more transcripts); c.1871G>A, p.Arg624His (NM_001379632.1, NM_001379633.1, NM_001379636.1 and 10 more transcripts); c.1946G>A, p.Arg649His (NM_001379637.1, NM_001379648.1); short protein forms R624H, R633H, R658H, R649H.
Identifiers: ClinVar variation 435629 (VCV000435629.8), dbSNP rs1553633823, ClinGen allele CA351327038.